The following is an entry in ClinVar:

ClinVar aggregate classification (germline): Uncertain significance (1 of 4 stars; one submission).

Conditions:
Tuberous sclerosis 2 (TSC2). Identifiers: Orphanet 805, MedGen C1860707, MONDO:0013199, OMIM 613254.

Submission:

Labcorp Genetics (formerly Invitae), Labcorp
Classification: Uncertain significance for Tuberous sclerosis 2. Last evaluated: 2018-10-24. Review status: criteria provided, single submitter. Criteria: Invitae Variant Classification Sherloc (09022015). Collection method: clinical testing. Allele origin: germline.
Comment: This sequence change replaces cysteine with phenylalanine at codon 1600 of the TSC2 protein (p.Cys1600Phe). The cysteine residue is moderately conserved and there is a large physicochemical difference between cysteine and phenylalanine. This variant is not present in population databases (ExAC no frequency). This variant has not been reported in the literature in individuals with TSC2-related disease. Algorithms developed to predict the effect of missense changes on protein structure and function (SIFT, PolyPhen-2, Align-GVGD) all suggest that this variant is likely to be tolerated, but these predictions have not been confirmed by published functional studies and their clinical significance is uncertain. In summary, the available evidence is currently insufficient to determine the role of this variant in disease. Therefore, it has been classified as a Variant of Uncertain Significance.

NM_000548.5(TSC2):c.4799G>T (p.Cys1600Phe)

Gene: TSC2 (TSC complex subunit 2; plus strand). Cytogenetic location: 16p13.3.
Variant type: single nucleotide variant.
Coding change: c.4799G>T on transcript NM_000548.5 (MANE Select); coding-DNA position 4799, G replaced by T.
Protein change: p.Cys1600Phe; replaces cysteine 1600 with phenylalanine.
Molecular consequence: missense variant.
Genome position (GRCh38, 1-based): chr16:2,086,329, G>T. VCF-style: chr16-2086329-G-T. GRCh37 (hg19) VCF-style: chr16-2136330-G-T.
Other names: c.4598G>T, p.Cys1533Phe (NM_001077183.3); c.4730G>T, p.Cys1577Phe (NM_001114382.3); c.4490G>T, p.Cys1497Phe (NM_001318827.2); c.4454G>T, p.Cys1485Phe (NM_001318829.2); c.4067G>T, p.Cys1356Phe (NM_001318831.2); c.4631G>T, p.Cys1544Phe (NM_001318832.2); c.4601G>T, p.Cys1534Phe (NM_001363528.2); c.4667G>T, p.Cys1556Phe (NM_001370404.1); and 1 more; short protein forms C1356F, C1534F, C1544F, C1556F, C1497F, C1485F, C1533F, C1600F.
Identifiers: ClinVar variation 647426 (VCV000647426.1), dbSNP rs1596439356, ClinGen allele CA394308037.